The following is an entry in ClinVar:

NM_001111125.3(IQSEC2):c.1721G>A (p.Arg574Lys)

Gene: IQSEC2 (IQ motif and Sec7 domain ArfGEF 2; minus strand). Cytogenetic location: Xp11.22.
Variant type: single nucleotide variant.
Coding change: c.1721G>A on transcript NM_001111125.3 (MANE Select); coding-DNA position 1721, G replaced by A.
Protein change: p.Arg574Lys; replaces arginine 574 with lysine.
Molecular consequence: missense variant.
Genome position (GRCh38, 1-based): chrX:53,250,855, C>T on the plus strand (G>A on the coding strand, the complement: IQSEC2 is on the minus strand). VCF-style: chrX-53250855-C-T. GRCh37 (hg19) VCF-style: chrX-53280037-C-T.
Other names: c.1721G>A, p.Arg574Lys (NM_001410736.1); c.1106G>A, p.Arg369Lys (NM_015075.2); short protein forms R369K, R574K.
Identifiers: ClinVar variation 2149596 (VCV002149596.4), dbSNP rs1428805255, ClinGen allele CA413164319.

ClinVar aggregate classification (germline): Uncertain significance (1 of 4 stars; one submission).

Conditions:
Intellectual developmental disorder, X-linked 1. Also called: Atkin Flaitz Patil Smith syndrome; Intellectual disability, X-linked 1; MENTAL RETARDATION, X-LINKED 18; MENTAL RETARDATION, X-LINKED 78. Identifiers: Orphanet 777, MedGen C2931498, MONDO:0010656, OMIM 309530.

Allele frequency attached by ClinVar (database versions not stated): gnomAD exomes below 0.00001; TOPMed 0.00002.
gnomAD v4.1: 1 of 1,209,805 alleles (0.000083%); highest among the groups gnomAD compares: African/African-American, 0.0017%; no homozygotes.

Submission:

Labcorp Genetics (formerly Invitae), Labcorp
Classification: Uncertain significance for Intellectual developmental disorder, X-linked 1. Last evaluated: 2022-09-01. Review status: criteria provided, single submitter. Criteria: Invitae Variant Classification Sherloc (09022015). Collection method: clinical testing. Allele origin: germline.
Comment: In summary, the available evidence is currently insufficient to determine the role of this variant in disease. Therefore, it has been classified as a Variant of Uncertain Significance. Advanced modeling of protein sequence and biophysical properties (such as structural, functional, and spatial information, amino acid conservation, physicochemical variation, residue mobility, and thermodynamic stability) performed at Invitae indicates that this missense variant is not expected to disrupt IQSEC2 protein function. This variant has not been reported in the literature in individuals affected with IQSEC2-related conditions. This variant is not present in population databases (gnomAD no frequency). This sequence change replaces arginine, which is basic and polar, with lysine, which is basic and polar, at codon 574 of the IQSEC2 protein (p.Arg574Lys).